The following is an entry in ClinVar:

NM_001080.3(ALDH5A1):c.331C>A (p.Arg111Ser)

Genes: ALDH5A1 (aldehyde dehydrogenase 5 family member A1; plus strand), LOC129995978 (ATAC-STARR-seq lymphoblastoid silent region 16989; plus strand). Cytogenetic location: 6p22.3.
Variant type: single nucleotide variant.
Coding change: c.331C>A on transcript NM_001080.3 (MANE Select); coding-DNA position 331, C replaced by A.
Protein change: p.Arg111Ser; replaces arginine 111 with serine.
Molecular consequence: missense variant.
Genome position (GRCh38, 1-based): chr6:24,495,327, C>A. VCF-style: chr6-24495327-C-A. GRCh37 (hg19) VCF-style: chr6-24495555-C-A.
Other names: c.331C>A, p.Arg111Ser (NM_001368954.1, NM_170740.1); short protein forms R111S.
Identifiers: ClinVar variation 2049816 (VCV002049816.1), dbSNP rs907597605, ClinGen allele CA136122255.
Genomic context (GRCh38, chr6:24,495,327, plus strand): 5'-GCCGACTGCGGGGTGCGAGAGGCCCGCGCCGCCGTGCGCGCTGCCTACGAGGCTTTCTGC[C>A]GCTGGAGGGAGGTCTCCGCCAAGGTGAGAGAGCCCGGATGCAGGGGGCCAGAGCTGGCCG-3'
Protein context (NP_001071.1, residues 101-121): AVRAAYEAFC[Arg111Ser]WREVSAKERS

ClinVar aggregate classification (germline): Uncertain significance (1 of 4 stars; one submission).

Conditions:
Succinate-semialdehyde dehydrogenase deficiency (SSADHD). Also called: Succinic Semialdehyde Dehydrogenase Deficiency; GABA METABOLIC DEFECT; SSADH DEFICIENCY; 4-HYDROXYBUTYRIC ACIDURIA. Identifiers: Orphanet 22, MedGen C0268631, MONDO:0010083, OMIM 271980.

Allele frequency attached by ClinVar (database versions not stated): gnomAD 0.00001; TOPMed 0.00001.

Submission:

Labcorp Genetics (formerly Invitae), Labcorp
Classification: Uncertain significance for Succinate-semialdehyde dehydrogenase deficiency. Last evaluated: 2021-12-20. Review status: criteria provided, single submitter. Criteria: Invitae Variant Classification Sherloc (09022015). Collection method: clinical testing. Allele origin: germline.
Comment: This sequence change replaces arginine, which is basic and polar, with serine, which is neutral and polar, at codon 111 of the ALDH5A1 protein (p.Arg111Ser). This variant is not present in population databases (gnomAD no frequency). This variant has not been reported in the literature in individuals affected with ALDH5A1-related conditions. Advanced modeling of protein sequence and biophysical properties (such as structural, functional, and spatial information, amino acid conservation, physicochemical variation, residue mobility, and thermodynamic stability) performed at Invitae indicates that this missense variant is not expected to disrupt ALDH5A1 protein function. Algorithms developed to predict the effect of sequence changes on RNA splicing suggest that this variant may create or strengthen a splice site. In summary, the available evidence is currently insufficient to determine the role of this variant in disease. Therefore, it has been classified as a Variant of Uncertain Significance.